The following is an entry in ClinVar:

NM_001999.4(FBN2):c.2096-256G>A

Gene: FBN2 (fibrillin 2; minus strand). Cytogenetic location: 5q23.3.
Variant type: single nucleotide variant.
Coding change: c.2096-256G>A on transcript NM_001999.4 (MANE Select); 256 bases into the intron before coding-DNA position 2096, G replaced by A.
Molecular consequence: intron variant.
Genome position (GRCh38, 1-based): chr5:128,369,590, C>T on the plus strand (G>A on the coding strand, the complement: FBN2 is on the minus strand). VCF-style: chr5-128369590-C-T. GRCh37 (hg19) VCF-style: chr5-127705283-C-T.
Identifiers: ClinVar variation 672909 (VCV000672909.1), dbSNP rs115515304, ClinGen allele CA127019328.

ClinVar aggregate classification (germline): Likely benign (1 of 4 stars; one submission).

Allele frequency attached by ClinVar (database versions not stated): gnomAD 0.00371 and 0.00381; TOPMed 0.00412; 1000 Genomes Project 0.00539; 1000 Genomes Project 30x 0.00578.
gnomAD v4.1: 555 of 152,276 alleles (0.36%); highest among the groups gnomAD compares: African/African-American, 1.3%; 4 homozygotes.

Submission:

GeneDx
Classification: Likely benign. Last evaluated: 2018-06-14. Review status: criteria provided, single submitter. Criteria: GeneDx Variant Classification (06012015). Collection method: clinical testing. Allele origin: germline. Affected: yes.
Comment: This variant is considered likely benign or benign based on one or more of the following criteria: it is a conservative change, it occurs at a poorly conserved position in the protein, it is predicted to be benign by multiple in silico algorithms, and/or has population frequency not consistent with disease.